The following is an entry in ClinVar:

NM_078629.4(MSL3):c.909-5C>T

Gene: MSL3 (MSL complex subunit 3; plus strand). Cytogenetic location: Xp22.2.
Variant type: single nucleotide variant.
Coding change: c.909-5C>T on transcript NM_078629.4 (MANE Select); 5 bases into the intron before coding-DNA position 909, C replaced by T.
Molecular consequence: intron variant.
Genome position (GRCh38, 1-based): chrX:11,765,462, C>T. VCF-style: chrX-11765462-C-T. GRCh37 (hg19) VCF-style: chrX-11783581-C-T.
Other names: c.462-5C>T (NM_001282174.1); c.909-5C>T (NM_078628.2); c.873-5C>T (NM_001193270.2); c.411-5C>T (NM_006800.4).
Identifiers: ClinVar variation 1299172 (VCV001299172.35), dbSNP rs183387942, ClinGen allele CA10348872.
Genomic context (GRCh38, chrX:11,765,462, plus strand): 5'-TCAGAAGCACTCCATGTTCTGGAAAGGCCCTTTGAGCCATGTGTGACATCCTCCATCTTC[C>T]CTAGGAGCCAGGAGGAACTCTCTCCCAGTCCGCCTTTGTTGAATCCATCCACGCCACAGT-3'

ClinVar aggregate classification (germline): Likely benign (1 of 4 stars; one submission).

Allele frequency attached by ClinVar (database versions not stated): ESP Exome Variant Server 0.00009; gnomAD exomes 0.00009; ExAC 0.00010; gnomAD 0.00010 and 0.00011; TOPMed 0.00013; 1000 Genomes Project 30x 0.00021; 1000 Genomes Project 0.00026.
gnomAD v4.1: 107 of 1,178,724 alleles (0.0091%); highest among the groups gnomAD compares: East Asian, 0.024%; no homozygotes.

Submission:

CeGaT Center for Human Genetics Tuebingen
Classification: Likely benign. Last evaluated: 2026-08-01. Review status: criteria provided, single submitter. Criteria: CeGaT Center For Human Genetics Tuebingen Variant Classification Criteria Version 2. Collection method: clinical testing. Allele origin: germline. Affected: yes. Observed: 3 variant alleles.
Comment: MSL3: BP4, BS2